The following is an entry in ClinVar:

ClinVar aggregate classification (germline): Uncertain significance (1 of 4 stars; one submission).

Conditions:
PHF6-related disorder. Also called: PHF6-related condition.

Submission:

PreventionGenetics, part of Exact Sciences
Classification: Uncertain significance for PHF6-related condition. Last evaluated: 2026-06-28. Review status: criteria provided, single submitter. Criteria: ACMG Guidelines, 2015. Collection method: clinical testing. Allele origin: germline.
Comment: The PHF6 c.100T>C variant is predicted to result in the amino acid substitution p.Ser34Pro. To our knowledge, this variant has not been reported in the literature or in a large population database (gnomAD), indicating this variant is rare. At this time, the clinical significance of this variant is uncertain due to the absence of conclusive functional and genetic evidence.

NM_001015877.2(PHF6):c.100T>C (p.Ser34Pro)

Gene: PHF6 (PHD finger protein 6; plus strand). Cytogenetic location: Xq26.2.
Variant type: single nucleotide variant.
Coding change: c.100T>C on transcript NM_001015877.2 (MANE Select); coding-DNA position 100, T replaced by C.
Protein change: p.Ser34Pro; replaces serine 34 with proline.
Molecular consequence: missense variant.
Genome position (GRCh38, 1-based): chrX:134,377,717, T>C. VCF-style: chrX-134377717-T-C. GRCh37 (hg19) VCF-style: chrX-133511747-T-C.
Other names: c.100T>C, p.Ser34Pro (NM_032335.3, NM_032458.3); short protein forms S34P.
Identifiers: ClinVar variation 4994103 (VCV004994103.1).